The following is an entry in ClinVar:

NM_001025603.2(RFX5):c.722C>T (p.Ala241Val)

Gene: RFX5 (regulatory factor X5; minus strand). Cytogenetic location: 1q21.3.
Variant type: single nucleotide variant.
Coding change: c.722C>T on transcript NM_001025603.2 (MANE Select); coding-DNA position 722, C replaced by T.
Protein change: p.Ala241Val; replaces alanine 241 with valine.
Molecular consequence: missense variant.
Genome position (GRCh38, 1-based): chr1:151,343,716, G>A on the plus strand (C>T on the coding strand, the complement: RFX5 is on the minus strand). VCF-style: chr1-151343716-G-A. GRCh37 (hg19) VCF-style: chr1-151316192-G-A.
Other names: c.602C>T, p.Ala201Val (NM_001379420.1, NM_001379419.1); c.722C>T (NM_000449.3); c.722C>T, p.Ala241Val (NM_000449.4, NM_001379412.1, NM_001379413.1 and 5 more transcripts); short protein forms A201V, A241V.
Identifiers: ClinVar variation 1466121 (VCV001466121.9), dbSNP rs1256795581, ClinGen allele CA341936964.

ClinVar aggregate classification (germline): Uncertain significance. Review status: criteria provided, multiple submitters, no conflicts (2 of 4 stars). 2 submissions from 2 submitters: Uncertain significance (2). Last evaluated 2025-07-31.

Conditions:
MHC class II deficiency. Also called: BLS, TYPE II; Bare lymphocyte syndrome 2. Identifiers: Orphanet 572, MedGen C5447452, MONDO:0008855.

Allele frequency attached by ClinVar (database versions not stated): gnomAD exomes below 0.00001.

Submissions (2):

Ambry Genetics
Classification: Uncertain significance. Last evaluated: 2025-07-31. Review status: criteria provided, single submitter. Criteria: Ambry Variant Classification Scheme 2023. Collection method: clinical testing. Allele origin: germline.

Labcorp Genetics (formerly Invitae), Labcorp
Classification: Uncertain significance for MHC class II deficiency. Last evaluated: 2021-06-18. Review status: criteria provided, single submitter. Criteria: Invitae Variant Classification Sherloc (09022015). Collection method: clinical testing. Allele origin: germline.
Comment: This sequence change replaces alanine with valine at codon 241 of the RFX5 protein (p.Ala241Val). The alanine residue is moderately conserved and there is a small physicochemical difference between alanine and valine. Algorithms developed to predict the effect of missense changes on protein structure and function (SIFT, PolyPhen-2, Align-GVGD) all suggest that this variant is likely to be tolerated, but these predictions have not been confirmed by published functional studies and their clinical significance is uncertain. In summary, the available evidence is currently insufficient to determine the role of this variant in disease. Therefore, it has been classified as a Variant of Uncertain Significance. This variant is not present in population databases (ExAC no frequency). This variant has not been reported in the literature in individuals with RFX5-related conditions.